The following is an entry in ClinVar:

ClinVar aggregate classification (germline): Uncertain significance. Review status: criteria provided, multiple submitters, no conflicts (2 of 4 stars). 2 submissions from 2 submitters: Uncertain significance (2). Last evaluated 2025-12-07.

Conditions:
Inborn genetic diseases. Identifiers: MedGen C0950123, MeSH D030342.

Allele frequency attached by ClinVar (database versions not stated): gnomAD exomes below 0.00001; TOPMed below 0.00001.
gnomAD v4.1: 1 of 1,614,218 alleles (0.000062%); highest among the groups gnomAD compares: African/African-American, 0.0013%; no homozygotes.

Submissions (2):

Ambry Genetics
Classification: Uncertain significance for Inborn genetic diseases. Last evaluated: 2025-12-07. Review status: criteria provided, single submitter. Criteria: Ambry Variant Classification Scheme 2023. Collection method: clinical testing. Allele origin: germline.
Comment: The p.E1183A variant (also known as c.3548A>C), located in coding exon 13 of the ASXL1 gene, results from an A to C substitution at nucleotide position 3548. The glutamic acid at codon 1183 is replaced by alanine, an amino acid with dissimilar properties. This amino acid position is conserved. In addition, this alteration is predicted to be tolerated by in silico analysis. Based on the available evidence, the clinical significance of this variant remains unclear.

Labcorp Genetics (formerly Invitae), Labcorp
Classification: Uncertain significance. Last evaluated: 2023-04-29. Review status: criteria provided, single submitter. Criteria: Invitae Variant Classification Sherloc (09022015). Collection method: clinical testing. Allele origin: germline.
Comment: This sequence change replaces glutamic acid, which is acidic and polar, with alanine, which is neutral and non-polar, at codon 1183 of the ASXL1 protein (p.Glu1183Ala). This variant is not present in population databases (gnomAD no frequency). In summary, the available evidence is currently insufficient to determine the role of this variant in disease. Therefore, it has been classified as a Variant of Uncertain Significance. Algorithms developed to predict the effect of missense changes on protein structure and function output the following: SIFT: "Not Available"; PolyPhen-2: "Benign"; Align-GVGD: "Not Available". The alanine amino acid residue is found in multiple mammalian species, which suggests that this missense change does not adversely affect protein function. This variant has not been reported in the literature in individuals affected with ASXL1-related conditions.

NM_015338.6(ASXL1):c.3548A>C (p.Glu1183Ala)

Gene: ASXL1 (ASXL transcriptional regulator 1; plus strand). Cytogenetic location: 20q11.21.
Variant type: single nucleotide variant.
Coding change: c.3548A>C on transcript NM_015338.6 (MANE Select); coding-DNA position 3548, A replaced by C.
Protein change: p.Glu1183Ala; replaces glutamic acid 1183 with alanine.
Molecular consequence: missense variant.
Genome position (GRCh38, 1-based): chr20:32,436,260, A>C. VCF-style: chr20-32436260-A-C. GRCh37 (hg19) VCF-style: chr20-31024063-A-C.
Other names: c.3365A>C, p.Glu1122Ala (NM_001363734.1); short protein forms E1183A, E1122A.
Identifiers: ClinVar variation 2982940 (VCV002982940.4), dbSNP rs1160418769, ClinGen allele CA408563295.